The following is an entry in ClinVar:

NM_153704.6(TMEM67):c.2742G>A (p.Met914Ile)

Gene: TMEM67 (transmembrane protein 67; plus strand). Cytogenetic location: 8q22.1.
Variant type: single nucleotide variant.
Coding change: c.2742G>A on transcript NM_153704.6 (MANE Select); coding-DNA position 2742, G replaced by A.
Protein change: p.Met914Ile; replaces methionine 914 with isoleucine.
Molecular consequence: missense variant. On other transcripts: non-coding transcript variant (1).
Genome position (GRCh38, 1-based): chr8:93,809,865, G>A. VCF-style: chr8-93809865-G-A. GRCh37 (hg19) VCF-style: chr8-94822093-G-A.
Other names: c.2499G>A, p.Met833Ile (NM_001142301.1); short protein forms M833I, M914I.
Identifiers: ClinVar variation 2579441 (VCV002579441.1), dbSNP rs1808627617, ClinGen allele CA371699755.

ClinVar aggregate classification (germline): Uncertain significance (1 of 4 stars; one submission).

gnomAD v4.1: 1 of 1,605,198 alleles (0.000062%); highest among the groups gnomAD compares: Non-Finnish European, 0.000085%; no homozygotes.

Submission:

GeneDx
Classification: Uncertain significance. Last evaluated: 2023-03-08. Review status: criteria provided, single submitter. Criteria: GeneDx Variant Classification Process June 2021. Collection method: clinical testing. Allele origin: germline. Affected: yes.
Comment: Not observed at significant frequency in large population cohorts (gnomAD); In silico analysis supports that this missense variant does not alter protein structure/function; Has not been previously published as pathogenic or benign to our knowledge